The following is an entry in ClinVar:

NM_000718.4(CACNA1B):c.5479G>A (p.Val1827Ile)

Gene: CACNA1B (calcium voltage-gated channel subunit alpha1 B; plus strand). Cytogenetic location: 9q34.3.
Variant type: single nucleotide variant.
Coding change: c.5479G>A on transcript NM_000718.4 (MANE Select); coding-DNA position 5479, G replaced by A.
Protein change: p.Val1827Ile; replaces valine 1827 with isoleucine.
Molecular consequence: missense variant.
Genome position (GRCh38, 1-based): chr9:138,112,448, G>A. VCF-style: chr9-138112448-G-A. GRCh37 (hg19) VCF-style: chr9-141006900-G-A.
Other names: c.5479G>A, p.Val1827Ile (NM_001243812.2); short protein forms V1827I.
Identifiers: ClinVar variation 2461004 (VCV002461004.3), dbSNP rs374147774, ClinGen allele CA5377385.
Genomic context (GRCh38, chr9:138,112,448, plus strand): 5'-CCTGGTGCAGCTGGGACAAAGCAGCATCAGTGTGACGCGGAGTTGAGGAAGGAGATTTCC[G>A]TTGTGTGGGCCAATCTGCCCCAGAAGACTTTGGACTTGCTGGTACCACCCCATAAGCGTA-3'
Protein context (NP_000709.1, residues 1817-1837): CDAELRKEIS[Val1827Ile]VWANLPQKTL

ClinVar aggregate classification (germline): Uncertain significance. Review status: criteria provided, multiple submitters, no conflicts (2 of 4 stars). 2 submissions from 2 submitters: Uncertain significance (2). Last evaluated 2025-05-23.

Allele frequency attached by ClinVar (database versions not stated): ExAC 0.00002; TOPMed 0.00005; 1000 Genomes Project 0.00020; ESP Exome Variant Server 0.00008; gnomAD 0.00008; gnomAD exomes 0.00001; 1000 Genomes Project 30x 0.00016.
gnomAD v4.1: 35 of 1,613,742 alleles (0.0022%); highest among the groups gnomAD compares: Middle Eastern, 0.033%; no homozygotes.

Submissions (2):

GeneDx
Classification: Uncertain significance. Last evaluated: 2025-05-23. Review status: criteria provided, single submitter. Criteria: GeneDx Variant Classification Process June 2021. Collection method: clinical testing. Allele origin: germline. Affected: yes.
Comment: In silico analysis suggests that this missense variant does not alter protein structure/function; Has not been previously published as pathogenic or benign to our knowledge

Ambry Genetics
Classification: Uncertain significance. Last evaluated: 2023-01-23. Review status: criteria provided, single submitter. Criteria: Ambry Variant Classification Scheme 2023. Collection method: clinical testing. Allele origin: germline.